The following is an entry in ClinVar:

NM_000303.3(PMM2):c.577C>G (p.Leu193Val)

Gene: PMM2 (phosphomannomutase 2; plus strand). Cytogenetic location: 16p13.2.
Variant type: single nucleotide variant.
Coding change: c.577C>G on transcript NM_000303.3 (MANE Select); coding-DNA position 577, C replaced by G.
Protein change: p.Leu193Val; replaces leucine 193 with valine.
Molecular consequence: missense variant.
Genome position (GRCh38, 1-based): chr16:8,813,044, C>G. VCF-style: chr16-8813044-C-G. GRCh37 (hg19) VCF-style: chr16-8906901-C-G.
Other names: short protein forms L193V.
Identifiers: ClinVar variation 2776039 (VCV002776039.4), dbSNP rs775516200, ClinGen allele CA7894138.

ClinVar aggregate classification (germline): Likely pathogenic. Review status: criteria provided, multiple submitters, no conflicts (2 of 4 stars). 2 submissions from 2 submitters: Likely pathogenic (2). Last evaluated 2025-10-03.

Conditions:
PMM2-congenital disorder of glycosylation. Also called: CDG Ia; JAEKEN SYNDROME; PHOSPHOMANNOMUTASE 2 DEFICIENCY; CARBOHYDRATE-DEFICIENT GLYCOPROTEIN SYNDROME, TYPE Ia; PMM2-CDG; Congenital disorder of glycosylation, type Ia. Identifiers: Orphanet 79318, MedGen C0349653, MONDO:0008907, OMIM 212065.
Paediatric disorders.

Allele frequency attached by ClinVar (database versions not stated): gnomAD exomes below 0.00001; ExAC 0.00001.
gnomAD v4.1: 3 of 1,613,804 alleles (0.00019%); highest among the groups gnomAD compares: Non-Finnish European, 0.00025%; no homozygotes.

Submissions (2):

North West Genomic Laboratory Hub, Manchester University NHS Foundation Trust
Classification: Likely pathogenic for Paediatric disorders. Last evaluated: 2025-10-03. Review status: criteria provided, single submitter. Criteria: ACGS Best Practice Guidelines for Variant Classification in Rare Disease 2024. Collection method: clinical testing. Allele origin: germline. Affected: yes.
Comment: PM2_Mod PP3_Supp PM3_Str

Labcorp Genetics (formerly Invitae), Labcorp
Classification: Likely pathogenic for PMM2-congenital disorder of glycosylation. Last evaluated: 2023-08-20. Review status: criteria provided, single submitter. Criteria: Invitae Variant Classification Sherloc (09022015). Collection method: clinical testing. Allele origin: germline.
Comment: In summary, the currently available evidence indicates that the variant is pathogenic, but additional data are needed to prove that conclusively. Therefore, this variant has been classified as Likely Pathogenic. Advanced modeling of protein sequence and biophysical properties (such as structural, functional, and spatial information, amino acid conservation, physicochemical variation, residue mobility, and thermodynamic stability) performed at Invitae indicates that this missense variant is expected to disrupt PMM2 protein function. This missense change has been observed in individuals with clinical features of PMM2-related congenital disorders of glycosylation (PMID: 25355454). This variant is present in population databases (rs775516200, gnomAD 0.0009%). This sequence change replaces leucine, which is neutral and non-polar, with valine, which is neutral and non-polar, at codon 193 of the PMM2 protein (p.Leu193Val).

Literature cited by the submitters: PubMed 25355454 (cited by Labcorp Genetics (formerly Invitae), Labcorp).